The following is an entry in ClinVar:

NM_001148.6(ANK2):c.64_65del (p.Arg22fs)

Gene: ANK2 (ankyrin 2; plus strand). Cytogenetic location: 4q25.
Variant type: Microsatellite.
Coding change: c.64_65del on transcript NM_001148.6 (MANE Select); coding-DNA positions 64 to 65, 2 bases deleted (AG; older notation c.64_65delAG).
Protein change: p.Arg22fs; shifts the reading frame from arginine 22.
Molecular consequence: frameshift variant. On other transcripts: intron variant (43).
Genome position (GRCh38, 1-based): chr4:113,049,792-113,049,793, AG deleted; deleting any 2 consecutive bases within chr4:113,049,790-113,049,793 gives the same sequence; the c. name uses the placement nearest the transcript's 3' end. VCF-style (leftmost placement, unchanged base first): chr4-113049789-CAG-C. GRCh37 (hg19) VCF-style: chr4-113970945-CAG-C.
Other names: c.64_65del, p.Arg22fs (NM_001354225.2, NM_001354228.2, NM_001354232.2 and 10 more transcripts); c.73-124624_73-124623del (NM_001386186.2, NM_001386148.2, NM_001354269.3 and 1 more transcripts); c.22-101288_22-101287del (NM_001386147.1, NM_001386160.1, NM_001354261.2); c.22-124624_22-124623del (NM_001354254.2, NM_001354239.2, NM_001354252.2 and 33 more transcripts); short protein forms R22fs.
Identifiers: ClinVar variation 3383192 (VCV003383192.3).

ClinVar aggregate classification (germline): Likely pathogenic (1 of 4 stars; one submission).

Conditions:
Cardiac arrhythmia, ankyrin-B-related. Also called: ANKYRIN-B SYNDROME. Identifiers: Orphanet 101016, Orphanet 768, MedGen C1970119, MONDO:0010958, OMIM 600919.

Submission:

Juno Genomics, Hangzhou Juno Genomics, Inc
Classification: Likely pathogenic for Cardiac arrhythmia, ankyrin-B-related. Review status: criteria provided, single submitter. Criteria: ACMG Guidelines, 2015. Collection method: clinical testing. Allele origin: germline.
Comment: Null variant in a gene where loss of function (LOF) is a known mechanism of disease.;Absent from controls (or at extremely low frequency if recessive) in Genome Aggregation Database.